The following is an entry in ClinVar:

NM_031448.6(C19orf12):c.261G>T (p.Arg87Ser)

Gene: C19orf12 (chromosome 19 open reading frame 12; minus strand). Cytogenetic location: 19q12.
Variant type: single nucleotide variant.
Coding change: c.261G>T on transcript NM_031448.6 (MANE Select); coding-DNA position 261, G replaced by T.
Protein change: p.Arg87Ser; replaces arginine 87 with serine.
Molecular consequence: missense variant.
Genome position (GRCh38, 1-based): chr19:29,702,877, C>A on the plus strand (G>T on the coding strand, the complement: C19orf12 is on the minus strand). VCF-style: chr19-29702877-C-A. GRCh37 (hg19) VCF-style: chr19-30193784-C-A.
Other names: c.261G>T, p.Arg87Ser (NM_001031726.4, NM_001256046.3, NM_001256047.2); c.69G>T, p.Arg23Ser (NM_001282929.1, NM_001282930.3, NM_001282931.3); short protein forms R87S, R23S.
Identifiers: ClinVar variation 4713740 (VCV004713740.1).
Genomic context (GRCh38, chr19:29,702,877, plus strand): 5'-CAGCTGCACGGCGTCCGTCCACTCCAGGTGCCTGATGATGGCTGCGGCTTCGTTAAAGAG[C>A]CTCTGTTGCTCGGCAGGGGGCAGCTCCATTAGGATCTGAGGAACCGGCTTAAACTGTCCA-3'
Protein context (NP_113636.2, residues 77-97): LMELPPAEQQ[Arg87Ser]LFNEAAAIIR

ClinVar aggregate classification (germline): Uncertain significance (1 of 4 stars; one submission).

Conditions:
Hereditary spastic paraplegia 43. Also called: Spastic paraplegia 43, autosomal recessive. Identifiers: Orphanet 320370, MedGen C2680446, MONDO:0014024, OMIM 615043.

Submission:

Labcorp Genetics (formerly Invitae), Labcorp
Classification: Uncertain significance for Hereditary spastic paraplegia 43. Last evaluated: 2025-02-23. Review status: criteria provided, single submitter. Criteria: Invitae Variant Classification Sherloc (09022015). Collection method: clinical testing. Allele origin: germline.
Comment: This sequence change replaces arginine, which is basic and polar, with serine, which is neutral and polar, at codon 98 of the C19orf12 protein (p.Arg98Ser). This variant is not present in population databases (gnomAD no frequency). This missense change has been observed in individual(s) with mitochondrial membrane protein‐associated neurodegeneration (PMID: 31087512). An algorithm developed to predict the effect of missense changes on protein structure and function (PolyPhen-2) suggests that this variant is likely to be tolerated. In summary, the available evidence is currently insufficient to determine the role of this variant in disease. Therefore, it has been classified as a Variant of Uncertain Significance.

Literature cited by the submitters: PubMed 31087512.